The following is an entry in ClinVar:

NM_001270.4(CHD1):c.391G>C (p.Asp131His)

Gene: CHD1 (chromodomain helicase DNA binding protein 1; minus strand). Cytogenetic location: 5q21.1.
Variant type: single nucleotide variant.
Coding change: c.391G>C on transcript NM_001270.4 (MANE Select); coding-DNA position 391, G replaced by C.
Protein change: p.Asp131His; replaces aspartic acid 131 with histidine.
Molecular consequence: missense variant. On other transcripts: non-coding transcript variant (2).
Genome position (GRCh38, 1-based): chr5:98,902,946, C>G on the plus strand (G>C on the coding strand, the complement: CHD1 is on the minus strand). VCF-style: chr5-98902946-C-G. GRCh37 (hg19) VCF-style: chr5-98238650-C-G.
Other names: c.391G>C, p.Asp131His (NM_001364113.3, NM_001376194.2); short protein forms D131H.
Identifiers: ClinVar variation 2662156 (VCV002662156.1), dbSNP rs2479735473, ClinGen allele CA360523154.
Genomic context (GRCh38, chr5:98,902,946, plus strand): 5'-ACAAAATGACATACTCTTTATGCTTTTTCCTTTTGACCTCACTTGATGAGTCATCGGAAT[C>G]TTCACTGCTAGAGGAATCCTGTAGAAAAGAAATAAAGTCAGTATCATCCACTAATGATTA-3'
Protein context (NP_001261.2, residues 121-141): GSEEDSSSSE[Asp131His]SDDSSSEVKR

ClinVar aggregate classification (germline): Uncertain significance (1 of 4 stars; one submission).

Submission:

GeneDx
Classification: Uncertain significance. Last evaluated: 2023-04-17. Review status: criteria provided, single submitter. Criteria: GeneDx Variant Classification Process June 2021. Collection method: clinical testing. Allele origin: germline. Affected: yes.
Comment: Not observed at significant frequency in large population cohorts (gnomAD); In silico analysis supports that this missense variant does not alter protein structure/function; Has not been previously published as pathogenic or benign to our knowledge